The following is an entry in ClinVar:

ClinVar aggregate classification (germline): Conflicting classifications of pathogenicity. Review status: criteria provided, conflicting classifications (1 of 4 stars). 5 submissions from 5 submitters: Uncertain significance (4); Likely benign (1). Last evaluated 2025-08-21.

Conditions:
Cardiovascular phenotype. Identifiers: MedGen CN230736.
Arrhythmogenic cardiomyopathy with wooly hair and keratoderma. Also called: PALMOPLANTAR KERATODERMA WITH LEFT VENTRICULAR CARDIOMYOPATHY AND WOOLLY HAIR; Carvajal syndrome; Dilated cardiomyopathy with woolly hair and keratoderma; Arrhythmogenic cardiomyopathy with woolly hair and keratoderma. Identifiers: Orphanet 65282, MedGen C1854063, MONDO:0011581, OMIM 605676.
Arrhythmogenic right ventricular dysplasia 8 (ARVD8). Also called: Arrhythmogenic Right Ventricular Dysplasia/Cardiomyopathy 8; ARRHYTHMOGENIC RIGHT VENTRICULAR CARDIOMYOPATHY 8; ARRHYTHMOGENIC RIGHT VENTRICULAR DYSPLASIA, FAMILIAL, 8. Identifiers: MedGen C1843896, MONDO:0011831, OMIM 607450.
DSP-related disorder. Also called: DSP-related condition; DSP-related disorders.
Cardiomyopathy (CMYO). Also called: Cardiomyopathies. Identifiers: Orphanet 167848, MedGen C0878544, MONDO:0004994, HP:0001638. Inheritance: Various modes of inheritance.

Allele frequency attached by ClinVar (database versions not stated): gnomAD exomes 0.00001 and 0.00002; ExAC 0.00002; gnomAD 0.00002; TOPMed 0.00002.
gnomAD v4.1: 15 of 1,613,974 alleles (0.00093%); highest among the groups gnomAD compares: East Asian, 0.0045%; no homozygotes.

Submissions (5):

Labcorp Genetics (formerly Invitae), Labcorp
Classification: Likely benign for Arrhythmogenic cardiomyopathy with wooly hair and keratoderma; Arrhythmogenic right ventricular dysplasia 8. Last evaluated: 2025-08-21. Review status: criteria provided, single submitter. Criteria: Invitae Variant Classification Sherloc (09022015). Collection method: clinical testing. Allele origin: germline.

PreventionGenetics, part of Exact Sciences
Classification: Uncertain significance for DSP-related condition. Last evaluated: 2025-07-31. Review status: criteria provided, single submitter. Criteria: ACMG Guidelines, 2015. Collection method: clinical testing. Allele origin: germline.
Comment: The DSP c.1349C>T variant is predicted to result in the amino acid substitution p.Pro450Leu. This variant has been reported in an individual with left ventricular non-compaction who also carried additional variants in other cardiac genes (Table 3, Vershinina et al. 2020. PubMed ID: 33049752). This variant is reported in 0.0039% of alleles in individuals of European (Non-Finnish) descent in gnomAD. At this time, the clinical significance of this variant is uncertain due to the absence of conclusive functional and genetic evidence.

Blueprint Genetics
Classification: Uncertain significance. Last evaluated: 2024-10-25. Review status: criteria provided, single submitter. Criteria: ACMG Guidelines, 2015. Collection method: clinical testing. Allele origin: germline.

Ambry Genetics
Classification: Uncertain significance for Cardiovascular phenotype. Last evaluated: 2024-10-07. Review status: criteria provided, single submitter. Criteria: Ambry Variant Classification Scheme 2023. Collection method: clinical testing. Allele origin: germline.
Comment: The p.P450L variant (also known as c.1349C>T), located in coding exon 11 of the DSP gene, results from a C to T substitution at nucleotide position 1349. The proline at codon 450 is replaced by leucine, an amino acid with similar properties. This variant has been reported in a left ventricular non-compaction (LVNC) cohort, but clinical details were limited (Vershinina T et al. Cardiology, 2020 Oct;145:746-756). This amino acid position is highly conserved in available vertebrate species. In addition, the in silico prediction for this alteration is inconclusive. Based on the available evidence, the clinical significance of this variant remains unclear.

Color Diagnostics, LLC DBA Color Health
Classification: Uncertain significance for Cardiomyopathy. Last evaluated: 2024-03-06. Review status: criteria provided, single submitter. Criteria: ACMG Guidelines, 2015. Collection method: clinical testing. Allele origin: germline.
Comment: This missense variant replaces proline with leucine at codon 450 of the DSP protein. Computational prediction suggests that this variant may not impact protein structure and function (internally defined REVEL score threshold <= 0.5, PMID: 27666373). To our knowledge, functional studies have not been reported for this variant. This variant has not been reported in individuals affected with cardiovascular disorders in the literature. This variant has been identified in 5/282700 chromosomes in the general population by the Genome Aggregation Database (gnomAD). The available evidence is insufficient to determine the role of this variant in disease conclusively. Therefore, this variant is classified as a Variant of Uncertain Significance.

Literature cited by the submitters: PubMed 33049752 (cited by Ambry Genetics).

NM_004415.4(DSP):c.1349C>T (p.Pro450Leu)

Gene: DSP (desmoplakin; plus strand). Cytogenetic location: 6p24.3.
Variant type: single nucleotide variant.
Coding change: c.1349C>T on transcript NM_004415.4 (MANE Select); coding-DNA position 1349, C replaced by T.
Protein change: p.Pro450Leu; replaces proline 450 with leucine.
Molecular consequence: missense variant.
Genome position (GRCh38, 1-based): chr6:7,568,519, C>T. VCF-style: chr6-7568519-C-T. GRCh37 (hg19) VCF-style: chr6-7568752-C-T.
Other names: c.1349C>T, p.Pro450Leu (NM_001008844.3, NM_001319034.2); c.1349C>T (NM_004415.3); short protein forms P450L.
Identifiers: ClinVar variation 925839 (VCV000925839.13), dbSNP rs756357907, ClinGen allele CA027738.
Genomic context (GRCh38, chr6:7,568,519, plus strand): 5'-AATACAAGCGTCAGGTGCAGAACTTGGTAAACAAGTCTAAGAAGATTGTACAGCTGAAGC[C>T]TCGTAACCCAGACTACAGAAGCAATAAACCCATTATTCTCAGAGCTCTCTGTGACTACAA-3'
Protein context (NP_004406.2, residues 440-460): NKSKKIVQLK[Pro450Leu]RNPDYRSNKP